The following is an entry in ClinVar:

ClinVar aggregate classification (germline): Pathogenic (1 of 4 stars; one submission).

Conditions:
Hydrocephalus, nonsyndromic, autosomal recessive 1 (HYC1). Also called: Hydrocephalus, nonsyndromic, autosomal recessive; Congenital hydrocephalus 1. Identifiers: Orphanet 2185, MedGen C3887608, MONDO:0009360, OMIM 236600.

Submission:

Myriad Genetics, Inc.
Classification: Pathogenic for Hydrocephalus, nonsyndromic, autosomal recessive 1. Last evaluated: 2025-06-20. Review status: criteria provided, single submitter. Criteria: Myriad Autosomal Dominant, Autosomal Recessive and X-Linked Classification Criteria (2023). Collection method: clinical testing. Allele origin: unknown.
Comment: NM_001080414.3(CCDC88C):c.2908dupA(T970Nfs*30) is expected to be pathogenic in the context of congenital hydrocephalus, CCDC88C-related. This variant is predicted to lead to an abnormal or absent protein product due to the creation of a premature termination codon in CCDC88C, a gene where loss-of-function variants are known to be pathogenic. Please note: this variant was assessed in the context of healthy population screening.

NM_001080414.4(CCDC88C):c.2908dup (p.Thr970fs)

Gene: CCDC88C (coiled-coil and HOOK domain protein 88C; minus strand). Cytogenetic location: 14q32.11.
Variant type: Duplication.
Coding change: c.2908dup on transcript NM_001080414.4 (MANE Select); coding-DNA position 2908, one base duplicated (A; older notation c.2908dupA).
Protein change: p.Thr970fs; shifts the reading frame from threonine 970.
Molecular consequence: frameshift variant. On other transcripts: non-coding transcript variant (2).
Genome position (GRCh38, 1-based): chr14:91,308,449, T duplicated on the plus strand (A on the coding strand, the reverse complement: CCDC88C is on the minus strand); the first of 5 consecutive T bases (chr14:91,308,449-91,308,453); duplicating any one gives the same sequence. VCF-style (leftmost placement, unchanged base first): chr14-91308448-G-GT. GRCh37 (hg19) VCF-style: chr14-91774792-G-GT.
Other names: short protein forms T970fs.
Identifiers: ClinVar variation 5014621 (VCV005014621.1).